The following is an entry in ClinVar:

ClinVar aggregate classification (germline): Pathogenic (1 of 4 stars; one submission).

Conditions:
Severe myoclonic epilepsy in infancy (DRVT). Also called: Epileptic encephalopathy, early infantile, 6 (Dravet syndrome); SEVERE MYOCLONIC EPILEPSY OF INFANCY; DEVELOPMENTAL AND EPILEPTIC ENCEPHALOPATHY 6A; Severe Myoclonic Epilepsy in Infancy (SMEI); Dravet syndrome. Identifiers: Orphanet 33069, MedGen C0751122, MONDO:0100135, OMIM 607208.

Submission:

Center for Bioinformatics, Peking University
Classification: Pathogenic for Dravet syndrome. Last evaluated: 2014-12-20. Review status: criteria provided, single submitter. Criteria: Xu et al. (Hum Mutat. 2015). Collection method: research. Allele origin: de novo. Affected: yes. Observed: 1 variant allele. Study: University Clinical Cooperation “985 Project” PKU-2014-1-1.
Comment: Dravet syndrome (DS) probands were recruited from the outpatient and inpatient child neurology units of Peking University First Hospital from 2005 till present. The study was approved by the Ethics Committee of Peking University First Hospital and the Institutional Review Board at Peking University. Participants or their parents provided written informed consent before enrollment. We collected a total of 267 mutations from 255 families with probands diagnosed with DS in China. All probands fulfilled the clinical diagnostic criteria.

NM_001165963.4(SCN1A):c.5250_5252del (p.Ser1750_Ser1751delinsArg)

Genes: SCN1A (sodium voltage-gated channel alpha subunit 1; minus strand), LOC102724058 (uncharacterized LOC102724058; plus strand). Cytogenetic location: 2q24.3.
Variant type: Deletion.
Coding change: c.5250_5252del on transcript NM_001165963.4 (MANE Select); coding-DNA positions 5250 to 5252, 3 bases deleted (CTC; older notation c.5250_5252delCTC).
Protein change: p.Ser1750_Ser1751delinsArg.
Molecular consequence: inframe indel. On other transcripts: non-coding transcript variant (1).
Genome position (GRCh38, 1-based): chr2:165,992,023-165,992,025, GAG deleted on the plus strand (CTC on the coding strand, the reverse complement: SCN1A is on the minus strand). VCF-style (leftmost placement, unchanged base first): chr2-165992022-TGAG-T. GRCh37 (hg19) VCF-style: chr2-166848532-TGAG-T.
Other names: c.5166_5168del, p.Ser1722_Ser1723delinsArg (NM_001165964.3, NM_001353957.2, NM_001353958.2); c.5250_5252del, p.Ser1750_Ser1751delinsArg (NM_001202435.3, NM_001353948.2); c.5217_5219del, p.Ser1739_Ser1740delinsArg (NM_001353949.2, NM_001353950.2, NM_001353951.2 and 2 more transcripts); c.5214_5216del, p.Ser1738_Ser1739delinsArg (NM_001353954.2, NM_001353955.2); c.5163_5165del, p.Ser1721_Ser1722delinsArg (NM_001353960.2); c.2808_2810del, p.Ser936_Ser937delinsArg (NM_001353961.2).
Identifiers: ClinVar variation 189851 (VCV000189851.1), dbSNP rs794726703, ClinGen allele CA303110.